The following is an entry in ClinVar:

NM_002880.4(RAF1):c.994C>G (p.Pro332Ala)

Gene: RAF1 (Raf-1 proto-oncogene, serine/threonine kinase; minus strand). Cytogenetic location: 3p25.2.
Variant type: single nucleotide variant.
Coding change: c.994C>G on transcript NM_002880.4 (MANE Select); coding-DNA position 994, C replaced by G.
Protein change: p.Pro332Ala; replaces proline 332 with alanine.
Molecular consequence: missense variant. On other transcripts: non-coding transcript variant (3).
Genome position (GRCh38, 1-based): chr3:12,599,805, G>C on the plus strand (C>G on the coding strand, the complement: RAF1 is on the minus strand). VCF-style: chr3-12599805-G-C. GRCh37 (hg19) VCF-style: chr3-12641304-G-C.
Other names: c.1054C>G, p.Pro352Ala (NM_001354689.3); c.994C>G, p.Pro332Ala (NM_001354690.3); c.751C>G, p.Pro251Ala (NM_001354691.3, NM_001354692.3); c.895C>G, p.Pro299Ala (NM_001354693.3); c.811C>G, p.Pro271Ala (NM_001354694.3); c.652C>G, p.Pro218Ala (NM_001354695.3); short protein forms P271A, P251A, P332A, P352A, P218A, P299A.
Identifiers: ClinVar variation 1036484 (VCV001036484.10), dbSNP rs1057403865, ClinGen allele CA69616484.

ClinVar aggregate classification (germline): Uncertain significance. Review status: criteria provided, multiple submitters, no conflicts (2 of 4 stars). 2 submissions from 2 submitters: Uncertain significance (2). Last evaluated 2024-08-31.

Conditions:
Noonan syndrome 5 (NS5). Also called: RAF1-Related Noonan Syndrome. Identifiers: Orphanet 648, MedGen C1969057, MONDO:0012690, OMIM 611553. Disease mechanism: gain of function.
Dilated cardiomyopathy 1NN. Identifiers: Orphanet 154, MedGen C4014656, MONDO:0014396, OMIM 615916.
LEOPARD syndrome 2 (LPRD2). Also called: RAF1-Related LEOPARD Syndrome. Identifiers: Orphanet 500, MedGen C1969056, MONDO:0012691, OMIM 611554.
RASopathy. Also called: Noonan spectrum disorder; rasopathies. Identifiers: Orphanet 536391, MedGen C5555857, MONDO:0021060.

Allele frequency attached by ClinVar (database versions not stated): gnomAD below 0.00001 and 0.00001; TOPMed below 0.00001.

Submissions (2):

Labcorp Genetics (formerly Invitae), Labcorp
Classification: Uncertain significance for RASopathy. Last evaluated: 2024-08-31. Review status: criteria provided, single submitter. Criteria: Invitae Variant Classification Sherloc (09022015). Collection method: clinical testing. Allele origin: germline.
Comment: This sequence change replaces proline, which is neutral and non-polar, with alanine, which is neutral and non-polar, at codon 332 of the RAF1 protein (p.Pro332Ala). This variant is not present in population databases (gnomAD no frequency). This missense change has been observed in individual(s) with dilated cardiomyopathy (PMID: 24777450). In at least one individual the variant was observed to be de novo. ClinVar contains an entry for this variant (Variation ID: 1036484). Invitae Evidence Modeling of protein sequence and biophysical properties (such as structural, functional, and spatial information, amino acid conservation, physicochemical variation, residue mobility, and thermodynamic stability) has been performed for this missense variant. However, the output from this modeling did not meet the statistical confidence thresholds required to predict the impact of this variant on RAF1 protein function. Experimental studies are conflicting or provide insufficient evidence to determine the effect of this variant on RAF1 function (PMID: 24777450). In summary, the available evidence is currently insufficient to determine the role of this variant in disease. Therefore, it has been classified as a Variant of Uncertain Significance.

Juno Genomics, Hangzhou Juno Genomics, Inc
Classification: Uncertain significance for Dilated cardiomyopathy 1NN; LEOPARD syndrome 2; Noonan syndrome 5. Review status: criteria provided, single submitter. Criteria: ACMG Guidelines, 2015. Collection method: clinical testing. Allele origin: germline.
Comment: Multiple lines of computational evidence support a deleterious effect on the gene or gene product.;Assumed de novo, but without confirmation of paternity and maternity.

Literature cited by the submitters: PubMed 24777450 (cited by Labcorp Genetics (formerly Invitae), Labcorp).